The following is an entry in ClinVar:

NM_000059.4(BRCA2):c.425+7_425+8insCATA

Gene: BRCA2 (BRCA2 DNA repair associated; plus strand). Cytogenetic location: 13q13.1.
Variant type: Insertion.
Coding change: c.425+7_425+8insCATA on transcript NM_000059.4 (MANE Select); bases 7 to 8 of the intron after coding-DNA position 425, CATA inserted.
Molecular consequence: intron variant.
Genome position: GRCh38 VCF-style: chr13-32325191-T-TCATA. GRCh37 (hg19) VCF-style: chr13-32899328-T-TCATA.
Identifiers: ClinVar variation 760710 (VCV000760710.13), dbSNP rs1593886125, ClinGen allele CA915946933.

ClinVar aggregate classification (germline): Likely benign. Review status: criteria provided, multiple submitters, no conflicts (2 of 4 stars). 2 submissions from 2 submitters: Likely benign (2). Last evaluated 2025-04-16.

Conditions:
Hereditary breast ovarian cancer syndrome. Also called: Hereditary breast and ovarian cancer; Hereditary breast and/or ovarian cancer syndrome; Hereditary breast and ovarian cancer syndrome (HBOC); Breast and ovarian cancer; BRCA1- and BRCA2-Associated Hereditary Breast and Ovarian Cancer; Hereditary breast and ovarian cancer syndrome. Identifiers: Orphanet 145, MedGen C0677776, MeSH D061325, MONDO:0003582. Disease mechanism: loss of function.

Submissions (2):

Women's Health and Genetics/Laboratory Corporation of America, LabCorp
Classification: Likely benign. Last evaluated: 2025-04-16. Review status: criteria provided, single submitter. Criteria: LabCorp Variant Classification Summary - May 2015. Collection method: clinical testing. Allele origin: germline.
Comment: Variant summary: BRCA2 c.425+7_425+8insCATA alters a nucleotide located at a position not widely known to affect splicing. Consensus agreement among computation tools predict no significant impact on normal splicing. However, these predictions have yet to be confirmed by functional studies. The variant was absent in 245916 control chromosomes (gnomAD). The available data on variant occurrences in the general population are insufficient to allow any conclusion about variant significance. c.425+7_425+8insCATA has been observed in at least one individual affected with Breast or Ovarian Cancer (Azzollini_2016). This report does not provide unequivocal conclusions about association of the variant with Hereditary Breast And Ovarian Cancer Syndrome. To our knowledge, no experimental evidence demonstrating an impact on protein function has been reported. The following publication has been ascertained in the context of this evaluation (PMID: 27062684). ClinVar contains an entry for this variant (Variation ID: 760710). Based on the evidence outlined above, the variant was classified as likely benign.

Labcorp Genetics (formerly Invitae), Labcorp
Classification: Likely benign for Hereditary breast ovarian cancer syndrome. Last evaluated: 2022-12-23. Review status: criteria provided, single submitter. Criteria: Invitae Variant Classification Sherloc (09022015). Collection method: clinical testing. Allele origin: germline.

Literature cited by the submitters: PubMed 27062684 (cited by Women's Health and Genetics/Laboratory Corporation of America, LabCorp).